The following is an entry in ClinVar:

NM_001042492.3(NF1):c.1642-15_1642-14insAAA

Gene: NF1 (neurofibromin 1; plus strand). Cytogenetic location: 17q11.2.
Variant type: Insertion.
Coding change: c.1642-15_1642-14insAAA on transcript NM_001042492.3 (MANE Select); 15 bases into the intron before coding-DNA position 1642 through 14 bases into the intron before coding-DNA position 1642, AAA inserted.
Molecular consequence: intron variant.
Genome position: GRCh38 VCF-style: chr17-31221835-T-TAAA. GRCh37 (hg19) VCF-style: chr17-29548853-T-TAAA.
Other names: c.1642-15_1642-14insAAA (NM_000267.4, NM_001128147.3).
Identifiers: ClinVar variation 3724737 (VCV003724737.2).
Genomic context (GRCh38, chr17:31,221,835, plus strand): 5'-GTACTCCAGTGTTATGTTTACCAAAAATGTTTGAGTGAGTCTTCTCTTTGTCTTTCTCTT[T>TAAA]TTTAAAAAATTCAGGCTCTGCTGGTTCTTCATCAGTTAGATAGCATTGATTTGTGGAATC-3'

ClinVar aggregate classification (germline): Uncertain significance (1 of 4 stars; one submission).

Conditions:
Neurofibromatosis, type 1 (NF1). Also called: NEUROFIBROMATOSIS, TYPE I, SOMATIC; Peripheral type neurofibromatosis; Neurofibromatosis, type I; VON RECKLINGHAUSEN DISEASE. Identifiers: Orphanet 636, MedGen C0027831, MONDO:0018975, OMIM 162200. Disease mechanism: loss of function.

Submission:

Labcorp Genetics (formerly Invitae), Labcorp
Classification: Uncertain significance for Neurofibromatosis, type 1. Last evaluated: 2024-11-06. Review status: criteria provided, single submitter. Criteria: Invitae Variant Classification Sherloc (09022015). Collection method: clinical testing. Allele origin: germline.
Comment: This sequence change falls in intron 14 of the NF1 gene. It does not directly change the encoded amino acid sequence of the NF1 protein. This variant is not present in population databases (gnomAD no frequency). This variant has not been reported in the literature in individuals affected with NF1-related conditions. Algorithms developed to predict the effect of sequence changes on RNA splicing suggest that this variant may disrupt the consensus splice site. In summary, the available evidence is currently insufficient to determine the role of this variant in disease. Therefore, it has been classified as a Variant of Uncertain Significance.